The following is an entry in ClinVar:

ClinVar aggregate classification (germline): Conflicting classifications of pathogenicity. Review status: criteria provided, conflicting classifications (1 of 4 stars). 3 submissions from 3 submitters: Uncertain significance (2); Likely benign (1). Last evaluated 2023-12-12.

Conditions:
Hereditary cancer-predisposing syndrome. Also called: Tumor predisposition; Neoplastic Syndromes, Hereditary; Hereditary neoplastic syndrome; Hereditary Cancer Syndrome. Identifiers: Orphanet 140162, MedGen C0027672, MeSH D009386, MONDO:0015356.
Ataxia-telangiectasia syndrome (AT). Also called: Ataxia-telangiectasia, complementation group D; AT, COMPLEMENTATION GROUP C; ATAXIA-TELANGIECTASIA, COMPLEMENTATION GROUP A; ATAXIA-TELANGIECTASIA, FRESNO VARIANT; Ataxia-telangiectasia; Ataxia telangiectasia (A-T). Identifiers: Orphanet 100, MedGen C0004135, MONDO:0008840, OMIM 208900.

gnomAD v4.1: 2 of 1,612,530 alleles (0.00012%); highest among the groups gnomAD compares: Admixed American, 0.0033%; no homozygotes.

Submissions (3):

Labcorp Genetics (formerly Invitae), Labcorp
Classification: Uncertain significance for Ataxia-telangiectasia syndrome. Last evaluated: 2023-12-12. Review status: criteria provided, single submitter. Criteria: Invitae Variant Classification Sherloc (09022015). Collection method: clinical testing. Allele origin: germline.
Comment: This sequence change affects codon 1973 of the ATM mRNA. It is a 'silent' change, meaning that it does not change the encoded amino acid sequence of the ATM protein. It affects a nucleotide within the consensus splice site. This variant is present in population databases (no rsID available, gnomAD 0.006%). This variant has not been reported in the literature in individuals affected with ATM-related conditions. ClinVar contains an entry for this variant (Variation ID: 924458). Algorithms developed to predict the effect of sequence changes on RNA splicing suggest that this variant is not likely to affect RNA splicing. In summary, the available evidence is currently insufficient to determine the role of this variant in disease. Therefore, it has been classified as a Variant of Uncertain Significance.

Ambry Genetics
Classification: Likely benign for Hereditary cancer-predisposing syndrome. Last evaluated: 2023-02-10. Review status: criteria provided, single submitter. Criteria: Ambry Variant Classification Scheme 2023. Collection method: clinical testing. Allele origin: germline.

Color Diagnostics, LLC DBA Color Health
Classification: Uncertain significance for Hereditary cancer-predisposing syndrome. Last evaluated: 2018-10-17. Review status: criteria provided, single submitter. Criteria: ACMG Guidelines, 2015. Collection method: clinical testing. Allele origin: germline.

NM_000051.4(ATM):c.5917A>C (p.Arg1973=)

Genes: ATM (ATM serine/threonine kinase; plus strand), C11orf65 (chromosome 11 open reading frame 65; minus strand). Cytogenetic location: 11q22.3.
Variant type: single nucleotide variant.
Coding change: c.5917A>C on transcript NM_000051.4 (MANE Select); coding-DNA position 5917, A replaced by C.
Protein change: p.Arg1973=; no amino-acid change (arginine 1973 retained).
Molecular consequence: synonymous variant. On other transcripts: intron variant (2).
Genome position (GRCh38, 1-based): chr11:108,310,314, A>C. VCF-style: chr11-108310314-A-C. GRCh37 (hg19) VCF-style: chr11-108181041-A-C.
Other names: c.5917A>C, p.Arg1973= (NM_001351834.2); c.641-1243T>G (NM_001330368.2); c.*39-1243T>G (NM_001351110.2).
Identifiers: ClinVar variation 924458 (VCV000924458.10), dbSNP rs786202089, ClinGen allele CA476675518.
Genomic context (GRCh38, chr11:108,310,314, plus strand): 5'-ACAGCTTTACTCTATGCAGAAATCTATGCAGATAAGAAAAGTATGGATGATCAAGAGAAA[A>C]GGTAATGGAATTTAGAATTTTTGGTTTTTAAAATTAATGTTGGCATTGTCTCAATAAGGG-3'
Protein context (NP_000042.3, residues 1963-1983): DKKSMDDQEK[Arg1973=]SLAFEEGSQS